The following is an entry in ClinVar:

ClinVar aggregate classification (germline): Likely benign. Review status: reviewed by expert panel (3 of 4 stars). 17 submissions from 17 submitters: Likely benign (1). 16 of the submissions do not count toward it. Last evaluated 2017-06-29.

Conditions:
Familial pancreatic carcinoma. Identifiers: Orphanet 1333, MedGen C2931038, MONDO:0015278, OMIM 260350.
Hereditary cancer-predisposing syndrome. Also called: Tumor predisposition; Hereditary neoplastic syndrome; Hereditary Cancer Syndrome; Neoplastic Syndromes, Hereditary. Identifiers: Orphanet 140162, MedGen C0027672, MeSH D009386, MONDO:0015356.
Hereditary breast ovarian cancer syndrome. Also called: Hereditary breast and ovarian cancer; Hereditary breast and/or ovarian cancer syndrome; BRCA1- and BRCA2-Associated Hereditary Breast and Ovarian Cancer; Hereditary breast and ovarian cancer syndrome (HBOC); Hereditary breast and ovarian cancer syndrome; Breast and ovarian cancer. Identifiers: Orphanet 145, MedGen C0677776, MeSH D061325, MONDO:0003582. Disease mechanism: loss of function.
Breast-ovarian cancer, familial, susceptibility to, 1 (BROVCA1). Also called: BRCA1 Hereditary Breast and Ovarian Cancer; OVARIAN CANCER, SUSCEPTIBILITY TO. Identifiers: Orphanet 145, MedGen C2676676, MONDO:0011450, OMIM 604370. Disease mechanism: loss of function.

Allele frequency attached by ClinVar (database versions not stated): gnomAD 0.00003; gnomAD exomes 0.00003; ExAC 0.00004; TOPMed 0.00004.
gnomAD v4.1: 44 of 1,613,960 alleles (0.0027%); highest among the groups gnomAD compares: Middle Eastern, 0.016%; no homozygotes.

Submissions (17):

Evidence-based Network for the Interpretation of Germline Mutant Alleles (ENIGMA)
Classification: Likely benign for Breast-ovarian cancer, familial, susceptibility to, 1. Last evaluated: 2017-06-29. Review status: reviewed by expert panel. Criteria: ENIGMA BRCA1/2 Classification Criteria (2017-06-29). Collection method: curation. Allele origin: germline.
Comment: Synonymous substitution variant, with low bioinformatic likelihood to result in a splicing aberration (Splicing prior probability 0.02).

German Consortium for Hereditary Breast and Ovarian Cancer, University Hospital Cologne
Classification: Likely benign for Hereditary breast ovarian cancer syndrome. Last evaluated: 2026-02-10. Review status: criteria provided, single submitter. Criteria: ClinGen BRCA1 V1.1.0. Collection method: curation. Allele origin: germline. Not counted in ClinVar's aggregate classification.
Comment: This classification follows the ClinGen ENIGMA BRCA1 v1.1.0 classification scheme; We chose these criteria: BP1 (strong benign): missense variant outside a (potentially) clinically important functional domain AND no splicing predicted (SpliceAI ≤0.1)., BS1 (supporting benign): Filter allele frequency (FAF) is above 0.002% (FAF > 0.00002) and less than or equal to 0.01% (FAF ≤ 0.0001) in gnomAD v2.1 (non-cancer, exome only subset) and/or gnomAD v3.1 (non-cancer), non-founder population(s). -> non-cancer FAF: 0,004583%

Labcorp Genetics (formerly Invitae), Labcorp
Classification: Likely benign for Hereditary breast ovarian cancer syndrome. Last evaluated: 2025-12-18. Review status: criteria provided, single submitter. Criteria: Invitae Variant Classification Sherloc (09022015). Collection method: clinical testing. Allele origin: germline. Not counted in ClinVar's aggregate classification.

Center for Genomic Medicine, Rigshospitalet, Copenhagen University Hospital
Classification: Likely benign. Last evaluated: 2025-03-04. Review status: criteria provided, single submitter. Criteria: ACMG Guidelines, 2015. Collection method: clinical testing. Allele origin: germline. Not counted in ClinVar's aggregate classification.

CeGaT Center for Human Genetics Tuebingen
Classification: Likely benign. Last evaluated: 2024-04-01. Review status: criteria provided, single submitter. Criteria: CeGaT Center For Human Genetics Tuebingen Variant Classification Criteria Version 2. Collection method: clinical testing. Allele origin: germline. Affected: yes. Observed: 2 variant alleles. Not counted in ClinVar's aggregate classification.
Comment: BRCA1: BP4, BP7

Blueprint Genetics
Classification: Likely benign. Last evaluated: 2024-01-03. Review status: criteria provided, single submitter. Criteria: ACMG Guidelines, 2015. Collection method: clinical testing. Allele origin: germline. Not counted in ClinVar's aggregate classification.

All of Us Research Program, National Institutes of Health
Classification: Likely benign for Breast-ovarian cancer, familial, susceptibility to, 1. Last evaluated: 2023-12-13. Review status: criteria provided, single submitter. Criteria: ACMG Guidelines, 2015. Collection method: clinical testing. Allele origin: germline. Inheritance: Autosomal dominant inheritance. Observed: 9 variant alleles, 9 heterozygotes. Not counted in ClinVar's aggregate classification.
Comment: This study involves interpretation of variants in research participants for the purpose of population health screening. Participant phenotype was not available at the time of variant classification. Additional details can be found in publication PMID: 35346344, PMCID: PMC8962531

Quest Diagnostics Nichols Institute San Juan Capistrano
Classification: Likely benign. Last evaluated: 2023-05-12. Review status: criteria provided, single submitter. Criteria: Quest Diagnostics criteria. Collection method: clinical testing. Allele origin: unknown. Not counted in ClinVar's aggregate classification.

Sema4
Classification: Likely benign for Hereditary cancer-predisposing syndrome. Last evaluated: 2021-12-08. Review status: criteria provided, single submitter. Criteria: Sema4 Curation Guidelines. Collection method: curation. Allele origin: germline. Not counted in ClinVar's aggregate classification.

Department of Pathology and Laboratory Medicine, Sinai Health System
Classification: Likely benign for Familial pancreatic carcinoma. Last evaluated: 2021-05-26. Review status: criteria provided, single submitter. Criteria: ACMG Guidelines, 2015. Collection method: clinical testing. Allele origin: germline. Affected: yes. Not counted in ClinVar's aggregate classification.

Women's Health and Genetics/Laboratory Corporation of America, LabCorp
Classification: Likely benign. Last evaluated: 2020-12-12. Review status: criteria provided, single submitter. Criteria: LabCorp Variant Classification Summary - May 2015. Collection method: clinical testing. Allele origin: germline. Not counted in ClinVar's aggregate classification.

GeneDx
Classification: Likely benign. Last evaluated: 2018-12-10. Review status: criteria provided, single submitter. Criteria: GeneDx Variant Classification Process June 2021. Collection method: clinical testing. Allele origin: germline. Affected: yes. Not counted in ClinVar's aggregate classification.
Comment: This variant is associated with the following publications: (PMID: 18273839, 26913838, 23893897, 24094589, 20167696, 16267036)

Genome Diagnostics Laboratory, University Medical Center Utrecht
Classification: Likely benign for Breast-ovarian cancer, familial, susceptibility to, 1. Last evaluated: 2017-07-28. Review status: criteria provided, single submitter. Criteria: ACGS Guidelines, 2013. Collection method: clinical testing. Allele origin: germline. Affected: yes. Study: VKGL Data-share Consensus. Not counted in ClinVar's aggregate classification.

Clinical Genetics DNA and cytogenetics Diagnostics Lab, Erasmus MC, Erasmus Medical Center
Classification: Likely benign for Breast-ovarian cancer, familial, susceptibility to, 1. Last evaluated: 2015-09-21. Review status: criteria provided, single submitter. Criteria: ACGS Guidelines, 2013. Collection method: clinical testing. Allele origin: germline. Affected: yes. Study: VKGL Data-share Consensus. Not counted in ClinVar's aggregate classification.

Color Diagnostics, LLC DBA Color Health
Classification: Likely benign for Hereditary cancer-predisposing syndrome. Last evaluated: 2015-08-04. Review status: criteria provided, single submitter. Criteria: ACMG Guidelines, 2015. Collection method: clinical testing. Allele origin: germline. Not counted in ClinVar's aggregate classification.

Ambry Genetics
Classification: Likely benign for Hereditary cancer-predisposing syndrome. Last evaluated: 2015-05-08. Review status: criteria provided, single submitter. Criteria: Ambry Variant Classification Scheme 2023. Collection method: clinical testing. Allele origin: germline. Not counted in ClinVar's aggregate classification.

Joint Genome Diagnostic Labs from Nijmegen and Maastricht, Radboudumc and MUMC+
Classification: Likely benign. Review status: no assertion criteria provided. Collection method: clinical testing. Allele origin: germline. Affected: yes. Study: VKGL Data-share Consensus. Not counted in ClinVar's aggregate classification.

Literature cited by the submitters: PubMed 20167696 (cited by Quest Diagnostics Nichols Institute San Juan Capistrano and Women's Health and Genetics/Laboratory Corporation of America, LabCorp); PubMed 24094589 (cited by Quest Diagnostics Nichols Institute San Juan Capistrano and Women's Health and Genetics/Laboratory Corporation of America, LabCorp); PubMed 23893897 (cited by Quest Diagnostics Nichols Institute San Juan Capistrano and Women's Health and Genetics/Laboratory Corporation of America, LabCorp); PubMed 26913838 (cited by Quest Diagnostics Nichols Institute San Juan Capistrano and Women's Health and Genetics/Laboratory Corporation of America, LabCorp); PubMed 30287823 (cited by Quest Diagnostics Nichols Institute San Juan Capistrano and Department of Pathology and Laboratory Medicine, Sinai Health System); PubMed 32467295 (cited by Quest Diagnostics Nichols Institute San Juan Capistrano); PubMed 18273839 (cited by Quest Diagnostics Nichols Institute San Juan Capistrano and Women's Health and Genetics/Laboratory Corporation of America, LabCorp); PubMed 16267036 (cited by Quest Diagnostics Nichols Institute San Juan Capistrano and Women's Health and Genetics/Laboratory Corporation of America, LabCorp).

NM_007294.4(BRCA1):c.3747C>T (p.Thr1249=)

Genes: BRCA1 (BRCA1 DNA repair associated; minus strand), LOC126862571 (BRD4-independent group 4 enhancer GRCh37_chr17:41243136-41244335; plus strand). Cytogenetic location: 17q21.31.
Variant type: single nucleotide variant.
Coding change: c.3747C>T on transcript NM_007294.4 (MANE Select); coding-DNA position 3747, C replaced by T.
Protein change: p.Thr1249=; no amino-acid change (threonine 1249 retained).
Molecular consequence: synonymous variant. On other transcripts: intron variant (135).
Genome position (GRCh38, 1-based): chr17:43,091,784, G>A on the plus strand (C>T on the coding strand, the complement: BRCA1 is on the minus strand). VCF-style: chr17-43091784-G-A. GRCh37 (hg19) VCF-style: chr17-41243801-G-A.
Other names: c.3534C>T, p.Thr1178= (NM_001407571.1, NM_001407853.1, NM_001407894.1 and 9 more transcripts); c.3747C>T, p.Thr1249= (NM_001407581.1, NM_001407582.1, NM_001407583.1 and 30 more transcripts); c.3744C>T, p.Thr1248= (NM_001407587.1, NM_001407590.1, NM_001407591.1 and 22 more transcripts); c.3738C>T, p.Thr1246= (NM_001407646.1, NM_001407647.1); c.3624C>T, p.Thr1208= (NM_001407648.1, NM_001407664.1, NM_001407665.1 and 19 more transcripts); c.3621C>T, p.Thr1207= (NM_001407649.1, NM_001407670.1, NM_001407671.1 and 11 more transcripts); c.3669C>T, p.Thr1223= (NM_001407653.1, NM_001407654.1, NM_001407655.1 and 4 more transcripts); c.3666C>T, p.Thr1222= (NM_001407659.1, NM_001407660.1, NM_001407661.1 and 1 more transcripts); and 41 more.
Identifiers: ClinVar variation 136085 (VCV000136085.71), dbSNP rs587780801, ClinGen allele CA002400.